The following is an entry in ClinVar:

ClinVar aggregate classification (germline): Uncertain significance (1 of 4 stars; one submission).

gnomAD v4.1: 5 of 1,550,662 alleles (0.00032%); highest among the groups gnomAD compares: South Asian, 0.0012%; no homozygotes.

Submission:

GeneDx
Classification: Uncertain significance. Last evaluated: 2026-04-01. Review status: criteria provided, single submitter. Criteria: GeneDx Variant Classification Process June 2021. Collection method: clinical testing. Allele origin: germline.
Comment: Observed in large aggregate dataset examining de novo variants in patients with various developmental disorders (PMID: 35982159); Not observed at significant frequency in large population cohorts (gnomAD); In silico analysis supports that this missense variant has a deleterious effect on protein structure/function; This variant is associated with the following publications: (PMID: 35982159)

NM_001292063.2(OTOG):c.2938C>T (p.Arg980Trp)

Gene: OTOG (otogelin; plus strand). Cytogenetic location: 11p15.1.
Variant type: single nucleotide variant.
Coding change: c.2938C>T on transcript NM_001292063.2 (MANE Select); coding-DNA position 2938, C replaced by T.
Protein change: p.Arg980Trp; replaces arginine 980 with tryptophan.
Molecular consequence: missense variant.
Genome position (GRCh38, 1-based): chr11:17,591,520, C>T. VCF-style: chr11-17591520-C-T. GRCh37 (hg19) VCF-style: chr11-17613067-C-T.
Other names: c.2974C>T, p.Arg992Trp (NM_001277269.2); short protein forms R980W, R992W.
Identifiers: ClinVar variation 5016837 (VCV005016837.1).